The following is an entry in ClinVar:

NM_000092.5(COL4A4):c.3602G>A (p.Gly1201Asp)

Gene: COL4A4 (collagen type IV alpha 4 chain; minus strand). Cytogenetic location: 2q36.3.
Variant type: single nucleotide variant.
Coding change: c.3602G>A on transcript NM_000092.5 (MANE Select); coding-DNA position 3602, G replaced by A.
Protein change: p.Gly1201Asp; replaces glycine 1201 with aspartic acid.
Molecular consequence: missense variant.
Genome position (GRCh38, 1-based): chr2:227,032,252, C>T on the plus strand (G>A on the coding strand, the complement: COL4A4 is on the minus strand). VCF-style: chr2-227032252-C-T. GRCh37 (hg19) VCF-style: chr2-227896968-C-T.
Other names: short protein forms G1201D.
Identifiers: ClinVar variation 4813215 (VCV004813215.1).

ClinVar aggregate classification (germline): Likely pathogenic (1 of 4 stars; one submission).

Conditions:
Hematuria. Identifiers: MedGen C0018965, HP:0000790.

Submission:

Genetics Laboratory, Great Ormond Street Hospital NHS Foundation Trust, North Thames Genomic Laboratory Hub
Classification: Likely pathogenic for Haematuria. Last evaluated: 2026-01-09. Review status: criteria provided, single submitter. Criteria: ACGS Best Practice Guidelines for Variant Classification in Rare Disease 2024 v1.2. Collection method: clinical testing. Allele origin: germline. Affected: yes.
Comment: PS4_supporting, PM2_moderate, PP3_supporting, PM1_strong